The following is an entry in ClinVar:

ClinVar aggregate classification (germline): Uncertain significance (1 of 4 stars; one submission).

Conditions:
Deficiency of alpha-mannosidase (MANSA). Also called: LYSOSOMAL ALPHA-D-MANNOSIDASE DEFICIENCY; Mannosidosis, alpha-, types I and II; Alpha-Mannosidosis. Identifiers: Orphanet 61, MedGen C0024748, MONDO:0009561, OMIM 248500.

Allele frequency attached by ClinVar (database versions not stated): gnomAD 0.00003; TOPMed 0.00003; 1000 Genomes Project 30x 0.00016; 1000 Genomes Project 0.00020.

Submission:

Labcorp Genetics (formerly Invitae), Labcorp
Classification: Uncertain significance for Deficiency of alpha-mannosidase. Last evaluated: 2022-09-01. Review status: criteria provided, single submitter. Criteria: Invitae Variant Classification Sherloc (09022015). Collection method: clinical testing. Allele origin: germline.
Comment: This sequence change replaces arginine, which is basic and polar, with tryptophan, which is neutral and slightly polar, at codon 482 of the MAN2B1 protein (p.Arg482Trp). This variant is present in population databases (rs533428309, gnomAD 0.01%). This variant has not been reported in the literature in individuals affected with MAN2B1-related conditions. ClinVar contains an entry for this variant (Variation ID: 1363368). Algorithms developed to predict the effect of missense changes on protein structure and function output the following: SIFT: "Deleterious"; PolyPhen-2: "Benign"; Align-GVGD: "Class C0". The tryptophan amino acid residue is found in multiple mammalian species, which suggests that this missense change does not adversely affect protein function. In summary, the available evidence is currently insufficient to determine the role of this variant in disease. Therefore, it has been classified as a Variant of Uncertain Significance.

NM_000528.4(MAN2B1):c.1444C>T (p.Arg482Trp)

Gene: MAN2B1 (mannosidase alpha class 2B member 1; minus strand). Cytogenetic location: 19p13.13.
Variant type: single nucleotide variant.
Coding change: c.1444C>T on transcript NM_000528.4 (MANE Select); coding-DNA position 1444, C replaced by T.
Protein change: p.Arg482Trp; replaces arginine 482 with tryptophan.
Molecular consequence: missense variant.
Genome position (GRCh38, 1-based): chr19:12,657,032, G>A on the plus strand (C>T on the coding strand, the complement: MAN2B1 is on the minus strand). VCF-style: chr19-12657032-G-A. GRCh37 (hg19) VCF-style: chr19-12767846-G-A.
Other names: c.1441C>T, p.Arg481Trp (NM_001173498.2); short protein forms R482W, R481W.
Identifiers: ClinVar variation 1363368 (VCV001363368.3), dbSNP rs533428309, ClinGen allele CA9226435.